The following is an entry in ClinVar:

ClinVar aggregate classification (germline): Likely benign. Review status: criteria provided, single submitter (1 of 4 stars). 2 submissions from 2 submitters: Likely benign (1). 1 of the submissions does not count toward it. Last evaluated 2024-07-10.

Conditions:
DOCK2 deficiency. Also called: Immunodeficiency 40. Identifiers: Orphanet 447737, MedGen C4225328, MONDO:0014637, OMIM 616433.
DOCK2-related disorder. Also called: DOCK2-related condition.

Allele frequency attached by ClinVar (database versions not stated): ExAC 0.00001; gnomAD 0.00001; TOPMed 0.00001.
gnomAD v4.1: 1 of 1,614,040 alleles (0.000062%); highest among the groups gnomAD compares: African/African-American, 0.0013%; no homozygotes.

Submissions (2):

Labcorp Genetics (formerly Invitae), Labcorp
Classification: Likely benign for DOCK2 deficiency. Last evaluated: 2024-07-10. Review status: criteria provided, single submitter. Criteria: Invitae Variant Classification Sherloc (09022015). Collection method: clinical testing. Allele origin: germline.

PreventionGenetics, part of Exact Sciences
Classification: Likely benign for DOCK2-related condition. Last evaluated: 2019-09-17. Review status: no assertion criteria provided. Collection method: clinical testing. Allele origin: germline. Not counted in ClinVar's aggregate classification.
Comment: This variant is classified as likely benign based on ACMG/AMP sequence variant interpretation guidelines (Richards et al. 2015 PMID: 25741868, with internal and published modifications).

NM_004946.3(DOCK2):c.660C>A (p.Thr220=)

Gene: DOCK2 (dedicator of cytokinesis 2; plus strand). Cytogenetic location: 5q35.1.
Variant type: single nucleotide variant.
Coding change: c.660C>A on transcript NM_004946.3 (MANE Select); coding-DNA position 660, C replaced by A.
Protein change: p.Thr220=; no amino-acid change (threonine 220 retained).
Molecular consequence: synonymous variant. On other transcripts: non-coding transcript variant (1).
Genome position (GRCh38, 1-based): chr5:169,684,249, C>A. VCF-style: chr5-169684249-C-A. GRCh37 (hg19) VCF-style: chr5-169111253-C-A.
Identifiers: ClinVar variation 3041097 (VCV003041097.4), dbSNP rs756927816, ClinGen allele CA3553223.
Genomic context (GRCh38, chr5:169,684,249, plus strand): 5'-CTTTCAGTCAAAAGACCAGCCAGATTATGCAATGTATTCCCGGATCTCCTCATCCCCCAC[C>A]CATAGCCTCTATGTGTTTGTGAGAAACTTTGTGTGCAGAATTGGGGAAGATGCTGAGCTC-3'
Protein context (NP_004937.1, residues 210-230): AMYSRISSSP[Thr220=]HSLYVFVRNF